The following is an entry in ClinVar:

ClinVar aggregate classification (germline): Benign/Likely benign. Review status: criteria provided, multiple submitters, no conflicts (2 of 4 stars). 20 submissions from 19 submitters: Benign (5); Likely benign (10). 5 of the submissions do not count toward it. Last evaluated 2026-08-01.

Conditions:
Connective tissue disorder. Also called: Connective tissue disease. Identifiers: MedGen C0009782, MONDO:0003900.
Adams-Oliver syndrome 5 (AOS5). Identifiers: Orphanet 974, MedGen C4014970, MONDO:0014459, OMIM 616028.
Familial thoracic aortic aneurysm and aortic dissection (TAAD). Also called: Thoracic aortic aneurysms and dissections. Identifiers: Orphanet 91387, MedGen C4707243, MONDO:0019625.
Aortic valve disease 1 (AOVD1). Identifiers: MedGen C3887892, MONDO:0024523, OMIM 109730.

Allele frequency attached by ClinVar (database versions not stated): 1000 Genomes Project 0.00020; 1000 Genomes Project 30x 0.00047; gnomAD exomes 0.00167; gnomAD 0.00170 and 0.00171; ExAC 0.00188; TOPMed 0.00192.
gnomAD v4.1: 4,050 of 1,591,614 alleles (0.25%); highest among the groups gnomAD compares: Non-Finnish European, 0.32%; 10 homozygotes.

Submissions (20):

CeGaT Center for Human Genetics Tuebingen
Classification: Benign. Last evaluated: 2026-08-01. Review status: criteria provided, single submitter. Criteria: CeGaT Center For Human Genetics Tuebingen Variant Classification Criteria Version 2. Collection method: clinical testing. Allele origin: germline. Affected: yes. Observed: 10 variant alleles.
Comment: NOTCH1: BS1, BS2

Labcorp Genetics (formerly Invitae), Labcorp
Classification: Likely benign for Adams-Oliver syndrome 5. Last evaluated: 2026-02-01. Review status: criteria provided, single submitter. Criteria: Invitae Variant Classification Sherloc (09022015). Collection method: clinical testing. Allele origin: germline.

ARUP Laboratories, Molecular Genetics and Genomics, ARUP Laboratories
Classification: Likely benign. Last evaluated: 2025-04-03. Review status: criteria provided, single submitter. Criteria: ARUP Molecular Germline Variant Investigation Process 2024. Collection method: clinical testing. Allele origin: germline.

Blueprint Genetics
Classification: Likely benign. Last evaluated: 2024-11-21. Review status: criteria provided, single submitter. Criteria: ACMG Guidelines, 2015. Collection method: clinical testing. Allele origin: germline.

Mayo Clinic Laboratories, Mayo Clinic
Classification: Likely benign. Last evaluated: 2023-08-31. Review status: criteria provided, single submitter. Criteria: ACMG Guidelines, 2015. Collection method: clinical testing. Allele origin: germline. Observed: 7 variant alleles.
Comment: BS1, PP3

Women's Health and Genetics/Laboratory Corporation of America, LabCorp
Classification: Likely benign. Last evaluated: 2023-08-10. Review status: criteria provided, single submitter. Criteria: LabCorp Variant Classification Summary - May 2015. Collection method: clinical testing. Allele origin: germline.

Genome-Nilou Lab
Classification: Benign for Adams-Oliver syndrome 5. Last evaluated: 2022-03-15. Review status: criteria provided, single submitter. Criteria: ACMG Guidelines, 2015. Collection method: clinical testing. Allele origin: germline. Affected: no.

Genome-Nilou Lab
Classification: Benign for Aortic valve disease 1. Last evaluated: 2022-03-15. Review status: criteria provided, single submitter. Criteria: ACMG Guidelines, 2015. Collection method: clinical testing. Allele origin: germline. Affected: no.

GeneDx
Classification: Likely benign. Last evaluated: 2021-03-24. Review status: criteria provided, single submitter. Criteria: GeneDx Variant Classification Process June 2021. Collection method: clinical testing. Allele origin: germline. Affected: yes.
Comment: This variant is associated with the following publications: (PMID: 23578328, 26708639, 17662764, 21457232, 24728327, 28074886, 28387797, 18593716)

Mendelics
Classification: Benign for Adams-Oliver syndrome 5. Last evaluated: 2019-05-28. Review status: criteria provided, single submitter. Criteria: Mendelics Assertion Criteria 2017. Collection method: clinical testing. Allele origin: unknown.

Ambry Genetics
Classification: Likely benign for Familial thoracic aortic aneurysm and aortic dissection. Last evaluated: 2019-02-12. Review status: criteria provided, single submitter. Criteria: Ambry Variant Classification Scheme 2023. Collection method: clinical testing. Allele origin: germline.

CHEO Genetics Diagnostic Laboratory, Children's Hospital of Eastern Ontario
Classification: Benign for Familial thoracic aortic aneurysm and aortic dissection. Last evaluated: 2017-12-07. Review status: criteria provided, single submitter. Criteria: ACMG Guidelines, 2015. Collection method: clinical testing. Allele origin: germline.

Center for Human Genetics, Inc
Classification: Likely benign for Connective tissue disorder. Last evaluated: 2016-11-01. Review status: criteria provided, single submitter. Criteria: ACMG Guidelines, 2015. Collection method: clinical testing. Allele origin: germline. Affected: yes.

Eurofins Ntd Llc (ga)
Classification: Likely benign. Last evaluated: 2015-03-18. Review status: criteria provided, single submitter. Criteria: EGL Classification Definitions 2015. Collection method: clinical testing. Allele origin: germline. Observed: 1 variant allele, 1 heterozygote.

Breakthrough Genomics
Classification: Likely benign. Review status: criteria provided, single submitter. Criteria: ACMG Guidelines, 2015. Collection method: not provided. Allele origin: germline. Inheritance: Autosomal dominant inheritance. Affected: yes.

ITMI
No classification provided. Condition: AllHighlyPenetrant. Last evaluated: 2013-09-19. Review status: no classification provided. Collection method: reference population. Allele origin: germline. Not counted in ClinVar's aggregate classification.
Comment: Please see associated publication for description of ethnicities

Clinical Genetics DNA and cytogenetics Diagnostics Lab, Erasmus MC, Erasmus Medical Center
Classification: Likely benign. Review status: no assertion criteria provided. Collection method: clinical testing. Allele origin: germline. Affected: yes. Study: VKGL Data-share Consensus. Not counted in ClinVar's aggregate classification.

Genome Diagnostics Laboratory, Amsterdam University Medical Center
Classification: Likely benign. Review status: no assertion criteria provided. Collection method: clinical testing. Allele origin: germline. Affected: yes. Study: VKGL Data-share Consensus. Not counted in ClinVar's aggregate classification.

Joint Genome Diagnostic Labs from Nijmegen and Maastricht, Radboudumc and MUMC+
Classification: Likely benign. Review status: no assertion criteria provided. Collection method: clinical testing. Allele origin: germline. Affected: yes. Study: VKGL Data-share Consensus. Not counted in ClinVar's aggregate classification.

Laboratory of Diagnostic Genome Analysis, Leiden University Medical Center (LUMC)
Classification: Likely benign. Review status: no assertion criteria provided. Collection method: clinical testing. Allele origin: germline. Affected: yes. Study: VKGL Data-share Consensus. Not counted in ClinVar's aggregate classification.

Literature cited by the submitters: PubMed 21457232 (cited by Mayo Clinic Laboratories, Mayo Clinic and Ambry Genetics); PubMed 24728327 (cited by Mayo Clinic Laboratories, Mayo Clinic and ITMI); PubMed 28074886 (cited by Mayo Clinic Laboratories, Mayo Clinic); PubMed 28387797 (cited by Mayo Clinic Laboratories, Mayo Clinic); PubMed 24943832 (cited by Women's Health and Genetics/Laboratory Corporation of America, LabCorp); PubMed 16614245 (cited by Women's Health and Genetics/Laboratory Corporation of America, LabCorp); PubMed 21670202 (cited by Women's Health and Genetics/Laboratory Corporation of America, LabCorp); PubMed 22210878 (cited by Women's Health and Genetics/Laboratory Corporation of America, LabCorp); PubMed 19635999 (cited by Women's Health and Genetics/Laboratory Corporation of America, LabCorp); PubMed 26837699 (cited by Women's Health and Genetics/Laboratory Corporation of America, LabCorp); PubMed 23086750 (cited by Women's Health and Genetics/Laboratory Corporation of America, LabCorp); PubMed 19245433 (cited by Women's Health and Genetics/Laboratory Corporation of America, LabCorp); PubMed 22077063 (cited by Women's Health and Genetics/Laboratory Corporation of America, LabCorp); PubMed 15472075 (cited by Women's Health and Genetics/Laboratory Corporation of America, LabCorp); PubMed 23734977 (cited by Women's Health and Genetics/Laboratory Corporation of America, LabCorp); PubMed 22858860 (cited by Women's Health and Genetics/Laboratory Corporation of America, LabCorp); PubMed 17662764 (cited by Ambry Genetics); PubMed 18593716 (cited by Ambry Genetics).

NM_017617.5(NOTCH1):c.4028C>T (p.Ala1343Val)

Gene: NOTCH1 (notch receptor 1; minus strand). Cytogenetic location: 9q34.3.
Variant type: single nucleotide variant.
Coding change: c.4028C>T on transcript NM_017617.5 (MANE Select); coding-DNA position 4028, C replaced by T.
Protein change: p.Ala1343Val; replaces alanine 1343 with valine.
Molecular consequence: missense variant.
Genome position (GRCh38, 1-based): chr9:136,505,868, G>A on the plus strand (C>T on the coding strand, the complement: NOTCH1 is on the minus strand). VCF-style: chr9-136505868-G-A. GRCh37 (hg19) VCF-style: chr9-139400320-G-A.
Other names: p.Ala1343Val; c.4028C>T, p.Ala1343Val (LRG_1122t1); c.4028C>T (NM_017617.4); short protein forms A1343V.
Identifiers: ClinVar variation 134932 (VCV000134932.91), dbSNP rs183156491, ClinGen allele CA161191.